The following is an entry in ClinVar:

ClinVar aggregate classification (germline): Uncertain significance (1 of 4 stars; one submission).

Conditions:
Hereditary cancer-predisposing syndrome. Also called: Tumor predisposition; Hereditary Cancer Syndrome; Neoplastic Syndromes, Hereditary; Hereditary neoplastic syndrome. Identifiers: Orphanet 140162, MedGen C0027672, MeSH D009386, MONDO:0015356.

Submission:

Ambry Genetics
Classification: Uncertain significance for Hereditary cancer-predisposing syndrome. Last evaluated: 2021-06-28. Review status: criteria provided, single submitter. Criteria: Ambry Variant Classification Scheme 2023. Collection method: clinical testing. Allele origin: germline.
Comment: The p.P897H variant (also known as c.2690C>A), located in coding exon 19 of the PDGFRA gene, results from a C to A substitution at nucleotide position 2690. The proline at codon 897 is replaced by histidine, an amino acid with similar properties. This amino acid position is conserved. In addition, the in silico prediction for this alteration is inconclusive. Since supporting evidence is limited at this time, the clinical significance of this alteration remains unclear.

NM_006206.6(PDGFRA):c.2690C>A (p.Pro897His)

Gene: PDGFRA (platelet derived growth factor receptor alpha; plus strand). Cytogenetic location: 4q12.
Variant type: single nucleotide variant.
Coding change: c.2690C>A on transcript NM_006206.6 (MANE Select); coding-DNA position 2690, C replaced by A.
Protein change: p.Pro897His; replaces proline 897 with histidine.
Molecular consequence: missense variant.
Genome position (GRCh38, 1-based): chr4:54,288,814, C>A. VCF-style: chr4-54288814-C-A. GRCh37 (hg19) VCF-style: chr4-55154981-C-A.
Other names: c.2765C>A, p.Pro922His (NM_001347828.2); c.2690C>A, p.Pro897His (NM_001347829.2); c.2729C>A, p.Pro910His (NM_001347830.2); short protein forms P897H, P922H, P910H.
Identifiers: ClinVar variation 1794796 (VCV001794796.2), dbSNP rs2110344409, ClinGen allele CA356895428.